The following is an entry in ClinVar:

ClinVar aggregate classification (germline): Likely pathogenic (1 of 4 stars; one submission).

Submission:

GeneDx
Classification: Likely pathogenic. Last evaluated: 2025-07-23. Review status: criteria provided, single submitter. Criteria: GeneDx Variant Classification Process June 2021. Collection method: clinical testing. Allele origin: germline. Affected: yes.
Comment: In silico analysis supports that this missense variant has a deleterious effect on protein structure/function; Not observed at significant frequency in large population cohorts (gnomAD); Has not been previously published as pathogenic or benign to our knowledge

NM_001256071.3(RNF213):c.12452A>C (p.Gln4151Pro)

Genes: RNF213 (ring finger protein 213; plus strand), RNF213-AS1 (RNF213 antisense RNA 1; minus strand), LOC126862663 (BRD4-independent group 4 enhancer GRCh37_chr17:78345568-78346767; plus strand). Cytogenetic location: 17q25.3.
Variant type: single nucleotide variant.
Coding change: c.12452A>C on transcript NM_001256071.3 (MANE Select); coding-DNA position 12452, A replaced by C.
Protein change: p.Gln4151Pro; replaces glutamine 4151 with proline.
Molecular consequence: missense variant.
Genome position (GRCh38, 1-based): chr17:80,371,900, A>C. VCF-style: chr17-80371900-A-C. GRCh37 (hg19) VCF-style: chr17-78345700-A-C.
Other names: c.12599A>C, p.Gln4200Pro (NM_001410195.1, NM_020914.5); short protein forms Q4151P, Q4200P.
Identifiers: ClinVar variation 4686794 (VCV004686794.1).
Genomic context (GRCh38, chr17:80,371,900, plus strand): 5'-GAGAGAACCAGGAATAATATTTCTCTTTCTGCAGCTTTCATGATGTAAAAGATTATATTC[A>C]GGAATATTTGACCCTGTTAAAAAAGAAAGCATTCATAACTGAAGATAAAACTGAACTGTA-3'
Protein context (NP_001243000.2, residues 4141-4161): YSFHDVKDYI[Gln4151Pro]EYLTLLKKKA